The following is an entry in ClinVar:

NM_007294.4(BRCA1):c.2640G>C (p.Glu880Asp)

Gene: BRCA1 (BRCA1 DNA repair associated; minus strand). Cytogenetic location: 17q21.31.
Variant type: single nucleotide variant.
Coding change: c.2640G>C on transcript NM_007294.4 (MANE Select); coding-DNA position 2640, G replaced by C.
Protein change: p.Glu880Asp; replaces glutamic acid 880 with aspartic acid.
Molecular consequence: missense variant. On other transcripts: intron variant (137).
Genome position (GRCh38, 1-based): chr17:43,092,891, C>G on the plus strand (G>C on the coding strand, the complement: BRCA1 is on the minus strand). VCF-style: chr17-43092891-C-G. GRCh37 (hg19) VCF-style: chr17-41244908-C-G.
Other names: c.646+1853G>C (NM_001408466.1, NM_001408452.1, NM_001408457.1 and 11 more transcripts); c.523+1853G>C (NM_001408497.1, NM_001408496.1, NM_001408499.1 and 3 more transcripts); c.787+1853G>C (NM_001407973.1, NM_001408403.1, NM_001407983.1 and 17 more transcripts); c.404-1859G>C (NM_001408511.1); c.520+1853G>C (NM_001408505.1, NM_001408504.1, NM_001408503.1); c.461-1859G>C (NM_001408507.1, NM_001408506.1); c.545-1859G>C (NM_001408495.1); c.661+1853G>C (NM_001408448.1, NM_001408445.1, NM_001408432.1 and 6 more transcripts); and 41 more; short protein forms E584D, E712D, E752D, E753D, E768D, E769D, E791D, E792D.
Identifiers: ClinVar variation 4856575 (VCV004856575.1).

ClinVar aggregate classification (germline): Likely benign (1 of 4 stars; one submission).

Conditions:
Breast-ovarian cancer, familial, susceptibility to, 1 (BROVCA1). Also called: OVARIAN CANCER, SUSCEPTIBILITY TO; BRCA1 Hereditary Breast and Ovarian Cancer. Identifiers: Orphanet 145, MedGen C2676676, MONDO:0011450, OMIM 604370. Disease mechanism: loss of function.

gnomAD v4.1: 1 of 1,613,866 alleles (0.000062%); highest among the groups gnomAD compares: Non-Finnish European, 0.000085%; no homozygotes.

Submission:

Cancer Bioinformatics and Tumour Evolution Laboratory, Monash University
Classification: Likely benign for Breast-ovarian cancer, familial, susceptibility to, 1. Last evaluated: 2026-05-01. Review status: criteria provided, single submitter. Criteria: ClinGen BRCA1 and BRCA2 Guidelines, 2024. Collection method: curation. Allele origin: germline. Inheritance: Autosomal dominant inheritance.
Comment: Missense variant outside of a functional domain with no splice impact. BRCA1 and BRCA2 VCEP guidelines recommend application of BP1_Strong (PMID: 39142283)